The following is an entry in ClinVar:

ClinVar aggregate classification (germline): Uncertain significance (1 of 4 stars; one submission).

Submission:

Labcorp Genetics (formerly Invitae), Labcorp
Classification: Uncertain significance. Last evaluated: 2024-11-19. Review status: criteria provided, single submitter. Criteria: Invitae Variant Classification Sherloc (09022015). Collection method: clinical testing. Allele origin: germline.
Comment: This sequence change replaces glutamic acid, which is acidic and polar, with lysine, which is basic and polar, at codon 664 of the NSD1 protein (p.Glu664Lys). This variant is not present in population databases (gnomAD no frequency). This variant has not been reported in the literature in individuals affected with NSD1-related conditions. Invitae Evidence Modeling of protein sequence and biophysical properties (such as structural, functional, and spatial information, amino acid conservation, physicochemical variation, residue mobility, and thermodynamic stability) indicates that this missense variant is not expected to disrupt NSD1 protein function with a negative predictive value of 95%. In summary, the available evidence is currently insufficient to determine the role of this variant in disease. Therefore, it has been classified as a Variant of Uncertain Significance.

NM_022455.5(NSD1):c.1990G>A (p.Glu664Lys)

Gene: NSD1 (nuclear receptor binding SET domain protein 1; plus strand). Cytogenetic location: 5q35.3.
Variant type: single nucleotide variant.
Coding change: c.1990G>A on transcript NM_022455.5 (MANE Select); coding-DNA position 1990, G replaced by A.
Protein change: p.Glu664Lys; replaces glutamic acid 664 with lysine.
Molecular consequence: missense variant.
Genome position (GRCh38, 1-based): chr5:177,210,389, G>A. VCF-style: chr5-177210389-G-A. GRCh37 (hg19) VCF-style: chr5-176637390-G-A.
Other names: c.1117G>A, p.Glu373Lys (NM_001365684.2, NM_001409306.1, NM_001409307.1 and 3 more transcripts); c.1990G>A, p.Glu664Lys (NM_001409301.1, NM_001409302.1, NM_001409303.1); c.1570G>A, p.Glu524Lys (NM_001409304.1); c.1237G>A, p.Glu413Lys (NM_001409305.1); short protein forms E373K, E413K, E524K, E664K.
Identifiers: ClinVar variation 3676504 (VCV003676504.2).